The following is an entry in ClinVar:

NM_001148.6(ANK2):c.2739C>G (p.Ala913=)

Gene: ANK2 (ankyrin 2; plus strand). Cytogenetic location: 4q26.
Variant type: single nucleotide variant.
Coding change: c.2739C>G on transcript NM_001148.6 (MANE Select); coding-DNA position 2739, C replaced by G.
Protein change: p.Ala913=; no amino-acid change (alanine 913 retained).
Molecular consequence: synonymous variant.
Genome position (GRCh38, 1-based): chr4:113,317,752, C>G. VCF-style: chr4-113317752-C-G. GRCh37 (hg19) VCF-style: chr4-114238908-C-G.
Other names: c.2676C>G, p.Ala892= (NM_001127493.3, NM_001354243.2, NM_001354255.2 and 3 more transcripts); c.2751C>G, p.Ala917= (NM_001354225.2); c.2739C>G, p.Ala913= (NM_001354228.2, NM_001354232.2, NM_001354258.2 and 1 more transcripts); c.2781C>G, p.Ala927= (NM_001354230.2, NM_001354231.2, NM_001354237.2 and 1 more transcripts); c.2736C>G, p.Ala912= (NM_001354235.2, NM_001354236.2, NM_001354246.2 and 1 more transcripts); c.2673C>G, p.Ala891= (NM_001354239.2, NM_001354244.2, NM_001354252.2 and 3 more transcripts); c.2784C>G, p.Ala928= (NM_001354240.2, NM_001354241.2, NM_001386144.1); c.2640C>G, p.Ala880= (NM_001354245.2, NM_001354268.2); and 17 more.
Identifiers: ClinVar variation 385339 (VCV000385339.4), dbSNP rs750851228, ClinGen allele CA3050655.
Genomic context (GRCh38, chr4:113,317,752, plus strand): 5'-CTGCCAACCTACCAGCCTTCGATCCTTCAGTTCCGACAGGTCTCACACTCTGAGCCATGC[C>G]TCCTACCTGAGGGACAGTGCCGTGATGGATGACTCAGTTGTGATTCCCAGTCACCAGGTA-3'
Protein context (NP_001139.3, residues 903-923): SSDRSHTLSH[Ala913=]SYLRDSAVMD

ClinVar aggregate classification (germline): Likely benign. Review status: criteria provided, multiple submitters, no conflicts (2 of 4 stars). 3 submissions from 3 submitters: Likely benign (3). Last evaluated 2024-07-26.

Conditions:
Cardiovascular phenotype. Identifiers: MedGen CN230736.

Allele frequency attached by ClinVar (database versions not stated): gnomAD exomes 0.00001; ExAC 0.00002; gnomAD 0.00002 and 0.00003; TOPMed 0.00002.
gnomAD v4.1: 26 of 1,614,058 alleles (0.0016%); highest among the groups gnomAD compares: African/African-American, 0.0027%; no homozygotes.

Submissions (3):

Blueprint Genetics
Classification: Likely benign. Last evaluated: 2024-07-26. Review status: criteria provided, single submitter. Criteria: ACMG Guidelines, 2015. Collection method: clinical testing. Allele origin: germline.

Ambry Genetics
Classification: Likely benign for Cardiovascular phenotype. Last evaluated: 2019-04-16. Review status: criteria provided, single submitter. Criteria: Ambry Variant Classification Scheme 2023. Collection method: clinical testing. Allele origin: germline.

GeneDx
Classification: Likely benign. Last evaluated: 2016-04-06. Review status: criteria provided, single submitter. Criteria: GeneDx Variant Classification (06012015). Collection method: clinical testing. Allele origin: germline. Affected: yes.
Comment: This variant is considered likely benign or benign based on one or more of the following criteria: it is a conservative change, it occurs at a poorly conserved position in the protein, it is predicted to be benign by multiple in silico algorithms, and/or has population frequency not consistent with disease.